The following is an entry in ClinVar:

ClinVar aggregate classification (germline): Uncertain significance (1 of 4 stars; one submission).

Submission:

GeneDx
Classification: Uncertain significance. Last evaluated: 2023-06-22. Review status: criteria provided, single submitter. Criteria: GeneDx Variant Classification Process June 2021. Collection method: clinical testing. Allele origin: germline. Affected: yes.
Comment: Not observed at significant frequency in large population cohorts (gnomAD); In silico analysis supports that this missense variant does not alter protein structure/function; Has not been previously published as pathogenic or benign to our knowledge

NM_001369268.1(ACAN):c.6099A>C (p.Glu2033Asp)

Gene: ACAN (aggrecan; plus strand). Cytogenetic location: 15q26.1.
Variant type: single nucleotide variant.
Coding change: c.6099A>C on transcript NM_001369268.1 (MANE Select); coding-DNA position 6099, A replaced by C.
Protein change: p.Glu2033Asp; replaces glutamic acid 2033 with aspartic acid.
Molecular consequence: missense variant.
Genome position (GRCh38, 1-based): chr15:88,858,684, A>C. VCF-style: chr15-88858684-A-C. GRCh37 (hg19) VCF-style: chr15-89401915-A-C.
Other names: c.6099A>C, p.Glu2033Asp (NM_001135.4, NM_001411096.1, NM_001411097.1 and 1 more transcripts); short protein forms E2033D.
Identifiers: ClinVar variation 3360070 (VCV003360070.1).